The following is an entry in ClinVar:

ClinVar aggregate classification (germline): Uncertain significance. Review status: criteria provided, multiple submitters, no conflicts (2 of 4 stars). 2 submissions from 2 submitters: Uncertain significance (2). Last evaluated 2025-12-10.

Allele frequency attached by ClinVar (database versions not stated): gnomAD 0.00001; TOPMed 0.00001.
gnomAD v4.1: 1 of 1,612,566 alleles (0.000062%); highest among the groups gnomAD compares: Admixed American, 0.0017%; no homozygotes.

Submissions (2):

Labcorp Genetics (formerly Invitae), Labcorp
Classification: Uncertain significance. Last evaluated: 2025-12-10. Review status: criteria provided, single submitter. Criteria: Invitae Variant Classification Sherloc (09022015). Collection method: clinical testing. Allele origin: germline.
Comment: This sequence change replaces proline, which is neutral and non-polar, with arginine, which is basic and polar, at codon 228 of the AJAP1 protein (p.Pro228Arg). This variant is not present in population databases (gnomAD no frequency). This variant has not been reported in the literature in individuals affected with AJAP1-related conditions. ClinVar contains an entry for this variant (Variation ID: 3103230). An algorithm developed to predict the effect of missense changes on protein structure and function (PolyPhen-2) suggests that this variant is likely to be tolerated. In summary, the available evidence is currently insufficient to determine the role of this variant in disease. Therefore, it has been classified as a Variant of Uncertain Significance.

Ambry Genetics
Classification: Uncertain significance. Last evaluated: 2023-11-20. Review status: criteria provided, single submitter. Criteria: Ambry Variant Classification Scheme 2023. Collection method: clinical testing. Allele origin: germline.

NM_018836.4(AJAP1):c.683C>G (p.Pro228Arg)

Gene: AJAP1 (adherens junctions associated protein 1; plus strand). Cytogenetic location: 1p36.32.
Variant type: single nucleotide variant.
Coding change: c.683C>G on transcript NM_018836.4 (MANE Select); coding-DNA position 683, C replaced by G.
Protein change: p.Pro228Arg; replaces proline 228 with arginine.
Molecular consequence: missense variant.
Genome position (GRCh38, 1-based): chr1:4,712,553, C>G. VCF-style: chr1-4712553-C-G. GRCh37 (hg19) VCF-style: chr1-4772613-C-G.
Other names: c.683C>G, p.Pro228Arg (NM_001042478.2); short protein forms P228R.
Identifiers: ClinVar variation 3103230 (VCV003103230.2), dbSNP rs1028464681, ClinGen allele CA17114106.
Genomic context (GRCh38, chr1:4,712,553, plus strand): 5'-TCCTACAAACACGGAAGACAACTGTGGCCGCCACCACCACCACCACCACCACGGCCACCC[C>G]CATGACGCTGCAGACTAAGGGGTTCACCGAGTCCTTGGATCCCCGGAGAAGGATCCCAGG-3'
Protein context (NP_061324.1, residues 218-238): ATTTTTTTAT[Pro228Arg]MTLQTKGFTE